The following is an entry in ClinVar:

ClinVar aggregate classification (germline): Likely benign (1 of 4 stars; one submission).

Conditions:
Agenesis of the corpus callosum with peripheral neuropathy (ACCPN). Also called: CHARLEVOIX DISEASE; POLYNEUROPATHY, SENSORIMOTOR, WITH OR WITHOUT AGENESIS OF THE CORPUS CALLOSUM; HMSN/ACC; Hereditary Motor and Sensory Neuropathy with Agenesis of the Corpus Callosum. Identifiers: Orphanet 1496, MedGen C0795950, MONDO:0000902, OMIM 218000. Disease mechanism: loss of function.

Allele frequency attached by ClinVar (database versions not stated): 1000 Genomes Project 0.00459; 1000 Genomes Project 30x 0.00500; gnomAD 0.00739 and 0.00811; TOPMed 0.00872.

Submission:

Illumina Laboratory Services, Illumina
Classification: Likely benign for Agenesis of the corpus callosum with peripheral neuropathy. Last evaluated: 2018-01-13. Review status: criteria provided, single submitter. Criteria: ICSL Variant Classification Criteria 13 December 2019. Collection method: clinical testing. Allele origin: germline.
Comment: This variant was observed in the ICSL laboratory as part of a predisposition screen in an ostensibly healthy population. It had not been previously curated by ICSL or reported in the Human Gene Mutation Database (HGMD: prior to June 1st, 2018), and was therefore a candidate for classification through an automated scoring system. Utilizing variant allele frequency, disease prevalence and penetrance estimates, and inheritance mode, an automated score was calculated to assess if this variant is too frequent to cause the disease. Based on the score and internal cut-off values, a variant classified as likely benign is not then subjected to further curation. The score for this variant resulted in a classification of likely benign for this disease.

NM_001365088.1(SLC12A6):c.*3400C>T

Gene: SLC12A6 (solute carrier family 12 member 6; minus strand). Cytogenetic location: 15q14.
Variant type: single nucleotide variant.
Coding change: c.*3400C>T on transcript NM_001365088.1 (MANE Select); 3400 bases downstream of the stop codon, C replaced by T.
Molecular consequence: 3 prime UTR variant.
Genome position (GRCh38, 1-based): chr15:34,230,481, G>A on the plus strand (C>T on the coding strand, the complement: SLC12A6 is on the minus strand). VCF-style: chr15-34230481-G-A. GRCh37 (hg19) VCF-style: chr15-34522682-G-A.
Other names: c.*3400C>T (NM_001042494.2, NM_001042495.2, NM_001042496.2 and 3 more transcripts).
Identifiers: ClinVar variation 315551 (VCV000315551.5), dbSNP rs79634593, ClinGen allele CA10645659.